The following is an entry in ClinVar:

NM_001042492.3(NF1):c.2207A>G (p.Asn736Ser)

Gene: NF1 (neurofibromin 1; plus strand). Cytogenetic location: 17q11.2.
Variant type: single nucleotide variant.
Coding change: c.2207A>G on transcript NM_001042492.3 (MANE Select); coding-DNA position 2207, A replaced by G.
Protein change: p.Asn736Ser; replaces asparagine 736 with serine.
Molecular consequence: missense variant.
Genome position (GRCh38, 1-based): chr17:31,226,640, A>G. VCF-style: chr17-31226640-A-G. GRCh37 (hg19) VCF-style: chr17-29553658-A-G.
Other names: c.2207A>G, p.Asn736Ser (NM_000267.4); short protein forms N736S.
Identifiers: ClinVar variation 1954353 (VCV001954353.6), dbSNP rs1311417881, ClinGen allele CA398982494.
Genomic context (GRCh38, chr17:31,226,640, plus strand): 5'-AAGCAGATATCCGGTGTGGGGTGGATGAAGTGTCAGTGCATAACCTCTTGCCCAACTATA[A>G]CACATTCATGGAGTTTGCCTCTGTCAGCAATATGATGTCAACAGGTAAATGTGAATAGTG-3'
Protein context (NP_001035957.1, residues 726-746): VSVHNLLPNY[Asn736Ser]TFMEFASVSN

ClinVar aggregate classification (germline): Conflicting classifications of pathogenicity. Review status: criteria provided, conflicting classifications (1 of 4 stars). 2 submissions from 2 submitters: Uncertain significance (1); Likely benign (1). Last evaluated 2025-06-27.

Conditions:
Neurofibromatosis, type 1 (NF1). Also called: NEUROFIBROMATOSIS, TYPE I, SOMATIC; Peripheral type neurofibromatosis; VON RECKLINGHAUSEN DISEASE; Neurofibromatosis, type I. Identifiers: Orphanet 636, MedGen C0027831, MONDO:0018975, OMIM 162200. Disease mechanism: loss of function.
Hereditary cancer-predisposing syndrome. Also called: Tumor predisposition; Hereditary neoplastic syndrome; Hereditary Cancer Syndrome; Neoplastic Syndromes, Hereditary. Identifiers: Orphanet 140162, MedGen C0027672, MeSH D009386, MONDO:0015356.
Cardiovascular phenotype. Identifiers: MedGen CN230736.

Submissions (2):

Ambry Genetics
Classification: Likely benign for Cardiovascular phenotype; Hereditary cancer-predisposing syndrome. Last evaluated: 2025-06-27. Review status: criteria provided, single submitter. Criteria: Ambry Variant Classification Scheme 2023. Collection method: clinical testing. Allele origin: germline.

Labcorp Genetics (formerly Invitae), Labcorp
Classification: Uncertain significance for Neurofibromatosis, type 1. Last evaluated: 2022-09-21. Review status: criteria provided, single submitter. Criteria: Invitae Variant Classification Sherloc (09022015). Collection method: clinical testing. Allele origin: germline.
Comment: In summary, the available evidence is currently insufficient to determine the role of this variant in disease. Therefore, it has been classified as a Variant of Uncertain Significance. Algorithms developed to predict the effect of sequence changes on RNA splicing suggest that this variant may create or strengthen a splice site. Advanced modeling of protein sequence and biophysical properties (such as structural, functional, and spatial information, amino acid conservation, physicochemical variation, residue mobility, and thermodynamic stability) performed at Invitae indicates that this missense variant is not expected to disrupt NF1 protein function. This variant has not been reported in the literature in individuals affected with NF1-related conditions. This variant is not present in population databases (gnomAD no frequency). This sequence change replaces asparagine, which is neutral and polar, with serine, which is neutral and polar, at codon 736 of the NF1 protein (p.Asn736Ser).